The following is an entry in ClinVar:

NM_001031710.3(KLHL7):c.403G>T (p.Asp135Tyr)

Gene: KLHL7 (kelch like family member 7; plus strand). Cytogenetic location: 7p15.3.
Variant type: single nucleotide variant.
Coding change: c.403G>T on transcript NM_001031710.3 (MANE Select); coding-DNA position 403, G replaced by T.
Protein change: p.Asp135Tyr; replaces aspartic acid 135 with tyrosine.
Molecular consequence: missense variant. On other transcripts: non-coding transcript variant (2).
Genome position (GRCh38, 1-based): chr7:23,125,133, G>T. VCF-style: chr7-23125133-G-T. GRCh37 (hg19) VCF-style: chr7-23164752-G-T.
Other names: c.403G>T, p.Asp135Tyr (NM_001172428.2); c.259G>T, p.Asp87Tyr (NM_018846.5); c.403G>T (NM_001031710.2); short protein forms D87Y, D135Y.
Identifiers: ClinVar variation 2777087 (VCV002777087.4), dbSNP rs2534811832, ClinGen allele CA366975695.

ClinVar aggregate classification (germline): Uncertain significance. Review status: criteria provided, multiple submitters, no conflicts (2 of 4 stars). 2 submissions from 2 submitters: Uncertain significance (2). Last evaluated 2026-06-24.

Conditions:
Inborn genetic diseases. Identifiers: MedGen C0950123, MeSH D030342.

Submissions (2):

Ambry Genetics
Classification: Uncertain significance for Inborn genetic diseases. Last evaluated: 2026-06-24. Review status: criteria provided, single submitter. Criteria: Ambry Variant Classification Scheme 2023. Collection method: clinical testing. Allele origin: germline.

Labcorp Genetics (formerly Invitae), Labcorp
Classification: Uncertain significance. Last evaluated: 2023-08-16. Review status: criteria provided, single submitter. Criteria: Invitae Variant Classification Sherloc (09022015). Collection method: clinical testing. Allele origin: germline.
Comment: This variant is not present in population databases (gnomAD no frequency). This sequence change replaces aspartic acid, which is acidic and polar, with tyrosine, which is neutral and polar, at codon 135 of the KLHL7 protein (p.Asp135Tyr). This variant has not been reported in the literature in individuals affected with KLHL7-related conditions. An algorithm developed to predict the effect of missense changes on protein structure and function (PolyPhen-2) suggests that this variant is likely to be disruptive. In summary, the available evidence is currently insufficient to determine the role of this variant in disease. Therefore, it has been classified as a Variant of Uncertain Significance.